The following is an entry in ClinVar:

Conditions:
Breast-ovarian cancer, familial, susceptibility to, 1 (BROVCA1). Also called: BRCA1 Hereditary Breast and Ovarian Cancer; OVARIAN CANCER, SUSCEPTIBILITY TO. Identifiers: Orphanet 145, MedGen C2676676, MONDO:0011450, OMIM 604370. Disease mechanism: loss of function.

Submission:

Brotman Baty Institute, University of Washington
No classification provided (evidence only). Condition: Breast-ovarian cancer, familial 1. Review status: no classification provided. Collection method: in vitro. Allele origin: not applicable. Functional consequence: functionally_normal.
ClinVar note: "not provided" was previously submitted as the classification for the variant. However, the classification appeared to be based only on an observation of functional data so it was converted to no classification on 2025-07-30.

NM_007294.4(BRCA1):c.5391A>T (p.Ser1797=)

Gene: BRCA1 (BRCA1 DNA repair associated; minus strand). Cytogenetic location: 17q21.31.
Variant type: single nucleotide variant.
Coding change: c.5391A>T on transcript NM_007294.4 (MANE Select); coding-DNA position 5391, A replaced by T.
Protein change: p.Ser1797=; no amino-acid change (serine 1797 retained).
Molecular consequence: synonymous variant. On other transcripts: intron variant (19).
Genome position (GRCh38, 1-based): chr17:43,049,136, T>A on the plus strand (A>T on the coding strand, the complement: BRCA1 is on the minus strand). VCF-style: chr17-43049136-T-A. GRCh37 (hg19) VCF-style: chr17-41201153-T-A.
Other names: c.1869A>T, p.Ser623= (NM_001408481.1, NM_001408482.1, NM_001408483.1 and 5 more transcripts); c.1866A>T, p.Ser622= (NM_001408492.1, NM_001408493.1); c.1842A>T, p.Ser614= (NM_001408494.1); c.1836A>T, p.Ser612= (NM_001408495.1); c.1818A>T, p.Ser606= (NM_001408496.1, NM_001408497.1, NM_001408498.1 and 3 more transcripts); c.1815A>T, p.Ser605= (NM_001408502.1, NM_001408503.1, NM_001408504.1); c.1812A>T, p.Ser604= (NM_001408505.1); c.1755A>T, p.Ser585= (NM_001408506.1); and 84 more.
Identifiers: ClinVar variation 865691 (VCV000865691.3), dbSNP rs2051076774, ClinGen allele CA500143283.